The following is an entry in ClinVar:

ClinVar aggregate classification (germline): Uncertain significance (1 of 4 stars; one submission).

Conditions:
Hereditary cancer-predisposing syndrome. Also called: Tumor predisposition; Hereditary neoplastic syndrome; Hereditary Cancer Syndrome; Neoplastic Syndromes, Hereditary. Identifiers: Orphanet 140162, MedGen C0027672, MeSH D009386, MONDO:0015356.

Submission:

Ambry Genetics
Classification: Uncertain significance for Hereditary cancer-predisposing syndrome. Last evaluated: 2025-06-06. Review status: criteria provided, single submitter. Criteria: Ambry Variant Classification Scheme 2023. Collection method: clinical testing. Allele origin: germline.
Comment: The c.17delG variant, located in coding exon 1 of the POLE gene, results from a deletion of one nucleotide at nucleotide position 17, causing a translational frameshift with a predicted alternate stop codon (p.G6Afs*48). This alteration is expected to result in loss of function by premature protein truncation or nonsense-mediated mRNA decay. Although biallelic loss of function of POLE has been associated with autosomal recessive POLE deficiency, haploinsufficiency of POLE has not been established as a mechanism of disease for POLE-related polymerase proofreading-associated polyposis (PPAP) and POLE-related CMMRD-like syndrome. Based on the supporting evidence, this variant is expected to be causative of POLE deficiency when present along with a second pathogenic variant on the other allele; however, its clinical significance for PPAP and POLE-related CMMRD-like syndrome is unclear.

NM_006231.4(POLE):c.17del (p.Gly6fs)

Genes: POLE (DNA polymerase epsilon, catalytic subunit; minus strand), LOC130009266 (ATAC-STARR-seq lymphoblastoid silent region 5123; plus strand). Cytogenetic location: 12q24.33.
Variant type: Deletion.
Coding change: c.17del on transcript NM_006231.4 (MANE Select); coding-DNA position 17, one base deleted (G; older notation c.17delG).
Protein change: p.Gly6fs; shifts the reading frame from glycine 6.
Molecular consequence: frameshift variant.
Genome position (GRCh38, 1-based): chr12:132,687,299, C deleted on the plus strand (G on the coding strand, the reverse complement: POLE is on the minus strand); the first of 2 consecutive C bases (chr12:132,687,299-132,687,300); deleting either gives the same sequence. VCF-style (leftmost placement, unchanged base first): chr12-132687298-GC-G. GRCh37 (hg19) VCF-style: chr12-133263884-GC-G.
Other names: short protein forms G6fs.
Identifiers: ClinVar variation 3935765 (VCV003935765.1).